The following is an entry in ClinVar:

ClinVar aggregate classification (germline): Uncertain significance. Review status: criteria provided, multiple submitters, no conflicts (2 of 4 stars). 2 submissions from 2 submitters: Uncertain significance (2). Last evaluated 2025-04-17.

gnomAD v4.1: 5 of 1,538,824 alleles (0.00032%); highest among the groups gnomAD compares: East Asian, 0.0023%; no homozygotes.

Submissions (2):

Labcorp Genetics (formerly Invitae), Labcorp
Classification: Uncertain significance. Last evaluated: 2025-04-17. Review status: criteria provided, single submitter. Criteria: Invitae Variant Classification Sherloc (09022015). Collection method: clinical testing. Allele origin: germline.
Comment: This sequence change falls in intron 21 of the PROM1 gene. It does not directly change the encoded amino acid sequence of the PROM1 protein. This variant is not present in population databases (gnomAD no frequency). This variant has not been reported in the literature in individuals affected with PROM1-related conditions. Algorithms developed to predict the effect of sequence changes on RNA splicing suggest that this variant may disrupt the consensus splice site. In summary, the available evidence is currently insufficient to determine the role of this variant in disease. Therefore, it has been classified as a Variant of Uncertain Significance.

Blueprint Genetics
Classification: Uncertain significance. Last evaluated: 2022-07-18. Review status: criteria provided, single submitter. Criteria: ACMG Guidelines, 2015. Collection method: clinical testing. Allele origin: germline.

NM_006017.3(PROM1):c.2281-7C>A

Gene: PROM1 (prominin 1; minus strand). Cytogenetic location: 4p15.32.
Variant type: single nucleotide variant.
Coding change: c.2281-7C>A on transcript NM_006017.3 (MANE Select); 7 bases into the intron before coding-DNA position 2281, C replaced by A.
Molecular consequence: intron variant.
Genome position (GRCh38, 1-based): chr4:15,984,362, G>T on the plus strand (C>A on the coding strand, the complement: PROM1 is on the minus strand). VCF-style: chr4-15984362-G-T. GRCh37 (hg19) VCF-style: chr4-15985985-G-T.
Other names: c.1915-7C>A (NM_001441179.1); c.2170-7C>A (NM_001441174.1); c.2149-7C>A (NM_001441177.1); c.2089-7C>A (NM_001441178.1); c.2161-7C>A (NM_001441176.1); c.2251-7C>A (NM_001441173.1); c.2253+1398C>A (NM_001441175.1); c.2254-7C>A (NM_001145848.2, NM_001145852.2, NM_001145847.2 and 4 more transcripts); and 1 more.
Identifiers: ClinVar variation 4781145 (VCV004781145.2).